The following is an entry in ClinVar:

ClinVar aggregate classification (germline): Uncertain significance. Review status: criteria provided, multiple submitters, no conflicts (2 of 4 stars). 2 submissions from 2 submitters: Uncertain significance (2). Last evaluated 2025-10-02.

Conditions:
Nemaline myopathy 5 (NEM5A). Also called: NEMALINE MYOPATHY 5A, AUTOSOMAL RECESSIVE, SEVERE INFANTILE; NEMALINE MYOPATHY, AMISH TYPE; Nemaline myopathy 5, Amish type. Identifiers: Orphanet 98902, MedGen C1854380, MONDO:0011539, OMIM 605355.

gnomAD v4.1: 18 of 1,612,336 alleles (0.0011%); highest among the groups gnomAD compares: Non-Finnish European, 0.0013%; no homozygotes.

Submissions (2):

Labcorp Genetics (formerly Invitae), Labcorp
Classification: Uncertain significance for Nemaline myopathy 5. Last evaluated: 2025-10-02. Review status: criteria provided, single submitter. Criteria: Invitae Variant Classification Sherloc (09022015). Collection method: clinical testing. Allele origin: germline.
Comment: This sequence change replaces glutamic acid, which is acidic and polar, with glutamine, which is neutral and polar, at codon 188 of the TNNT1 protein (p.Glu188Gln). This variant is present in population databases (rs201519507, gnomAD 0.002%). This variant has not been reported in the literature in individuals affected with TNNT1-related conditions. ClinVar contains an entry for this variant (Variation ID: 3383598). Invitae Evidence Modeling of protein sequence and biophysical properties (such as structural, functional, and spatial information, amino acid conservation, physicochemical variation, residue mobility, and thermodynamic stability) indicates that this missense variant is not expected to disrupt TNNT1 protein function with a negative predictive value of 80%. In summary, the available evidence is currently insufficient to determine the role of this variant in disease. Therefore, it has been classified as a Variant of Uncertain Significance.

GeneDx
Classification: Uncertain significance. Last evaluated: 2024-05-26. Review status: criteria provided, single submitter. Criteria: GeneDx Variant Classification Process June 2021. Collection method: clinical testing. Allele origin: germline. Affected: yes.
Comment: Not observed at significant frequency in large population cohorts (gnomAD); Missense variants in this gene are a common cause of disease and they are underrepresented in the general population; In silico analysis indicates that this missense variant does not alter protein structure/function; Has not been previously published as pathogenic or benign to our knowledge

NM_003283.6(TNNT1):c.562G>C (p.Glu188Gln)

Gene: TNNT1 (troponin T1, slow skeletal type; minus strand). Cytogenetic location: 19q13.42.
Variant type: single nucleotide variant.
Coding change: c.562G>C on transcript NM_003283.6 (MANE Select); coding-DNA position 562, G replaced by C.
Protein change: p.Glu188Gln; replaces glutamic acid 188 with glutamine.
Molecular consequence: missense variant.
Genome position (GRCh38, 1-based): chr19:55,137,152, C>G on the plus strand (G>C on the coding strand, the complement: TNNT1 is on the minus strand). VCF-style: chr19-55137152-C-G. GRCh37 (hg19) VCF-style: chr19-55648520-C-G.
Other names: c.562G>C, p.Glu188Gln (NM_001126132.3); c.529G>C, p.Glu177Gln (NM_001126133.3, NM_001291774.2); short protein forms E177Q, E188Q.
Identifiers: ClinVar variation 3383598 (VCV003383598.2).
Genomic context (GRCh38, chr19:55,137,152, plus strand): 5'-ACAGCACCTACCGGAGCTGTTCCTCCCCCATGTAGTCAATGTCCAGAGGCTTCTTACGCT[C>G]GGAGAGGATGCGCACCTTCATCTCCCGCCCCGTCTGCCGCTTACCACGCTTCTGTTCTGC-3'
Protein context (NP_003274.3, residues 178-198): GREMKVRILS[Glu188Gln]RKKPLDIDYM